The following is an entry in ClinVar:

NM_001127649.3(PEX26):c.667+3_667+6dup

Gene: PEX26 (peroxisomal biogenesis factor 26; plus strand). Cytogenetic location: 22q11.21.
Variant type: Duplication.
Coding change: c.667+3_667+6dup on transcript NM_001127649.3 (MANE Select); bases 3 to 6 of the intron after coding-DNA position 667, 4 bases duplicated (AGGA; older notation c.667+3_667+6dupAGGA).
Molecular consequence: intron variant.
Genome position (GRCh38, 1-based): chr22:18,083,735-18,083,738, AGGA duplicated. VCF-style (leftmost placement, unchanged base first): chr22-18083734-T-TAGGA. GRCh37 (hg19) VCF-style: chr22-18566500-T-TAGGA.
Other names: c.667+3_667+6dup (NM_017929.6, NM_001199319.2); c.667+3_667+6dupAGGA (NM_017929.6).
Identifiers: ClinVar variation 3251660 (VCV003251660.1), dbSNP rs2517671420.
Genomic context (GRCh38, chr22:18,083,734, plus strand): 5'-GCAGCAGCAGAAACAGGAACACTCAGGCTCTGAGGAGGCCCAGAAGCCAAACCTGGAAGG[T>TAGGA]AGGACATTATCCCTCTGCGACCTCTGTAAAGTGGACTTGCGGGCTTGCACTGTACCTCGG-3'

ClinVar aggregate classification (germline): Uncertain significance (1 of 4 stars; one submission).

Submission:

Women's Health and Genetics/Laboratory Corporation of America, LabCorp
Classification: Uncertain significance. Last evaluated: 2024-04-26. Review status: criteria provided, single submitter. Criteria: LabCorp Variant Classification Summary - May 2015. Collection method: clinical testing. Allele origin: germline.
Comment: Variant summary: PEX26 c.667+3_667+6dupAGGA alters a non-conserved nucleotide located close to a canonical splice site and therefore could affect mRNA splicing, leading to a significantly altered protein sequence. Consensus agreement among computation tools predict no significant impact on normal splicing. However, these predictions have yet to be confirmed by functional studies. The frequency data for this variant in gnomAD is considered unreliable, as metrics indicate poor data quality at this position. To our knowledge, no occurrence of c.667+3_667+6dupAGGA in individuals affected with Zellweger Syndrome and no experimental evidence demonstrating its impact on protein function have been reported. No submitters have cited clinical-significance assessments for this variant to ClinVar. Based on the evidence outlined above, the variant was classified as uncertain significance.